The following is an entry in ClinVar:

NM_006389.5(HYOU1):c.2329G>T (p.Ala777Ser)

Gene: HYOU1 (hypoxia up-regulated 1; minus strand). Cytogenetic location: 11q23.3.
Variant type: single nucleotide variant.
Coding change: c.2329G>T on transcript NM_006389.5 (MANE Select); coding-DNA position 2329, G replaced by T.
Protein change: p.Ala777Ser; replaces alanine 777 with serine.
Molecular consequence: missense variant.
Genome position (GRCh38, 1-based): chr11:119,048,295, C>A on the plus strand (G>T on the coding strand, the complement: HYOU1 is on the minus strand). VCF-style: chr11-119048295-C-A. GRCh37 (hg19) VCF-style: chr11-118919007-C-A.
Other names: c.2329G>T, p.Ala777Ser (NM_001130991.3, NM_001411041.1); short protein forms A777S.
Identifiers: ClinVar variation 2097360 (VCV002097360.4), dbSNP rs113886063, ClinGen allele CA382924968.

ClinVar aggregate classification (germline): Uncertain significance (1 of 4 stars; one submission).

Submission:

Labcorp Genetics (formerly Invitae), Labcorp
Classification: Uncertain significance. Last evaluated: 2022-02-13. Review status: criteria provided, single submitter. Criteria: Invitae Variant Classification Sherloc (09022015). Collection method: clinical testing. Allele origin: germline.
Comment: Algorithms developed to predict the effect of missense changes on protein structure and function output the following: SIFT: "Not Available"; PolyPhen-2: "Benign"; Align-GVGD: "Not Available". The serine amino acid residue is found in multiple mammalian species, which suggests that this missense change does not adversely affect protein function. This variant has not been reported in the literature in individuals affected with HYOU1-related conditions. This variant is not present in population databases (gnomAD no frequency). This sequence change replaces alanine, which is neutral and non-polar, with serine, which is neutral and polar, at codon 777 of the HYOU1 protein (p.Ala777Ser). In summary, the available evidence is currently insufficient to determine the role of this variant in disease. Therefore, it has been classified as a Variant of Uncertain Significance.